The following is an entry in ClinVar:

ClinVar aggregate classification (germline): Uncertain significance (1 of 4 stars; one submission).

gnomAD v4.1: 4 of 1,564,368 alleles (0.00026%); highest among the groups gnomAD compares: Non-Finnish European, 0.00034%; no homozygotes.

Submission:

Women's Health and Genetics/Laboratory Corporation of America, LabCorp
Classification: Uncertain significance. Last evaluated: 2026-03-11. Review status: criteria provided, single submitter. Criteria: LabCorp Variant Classification Summary - May 2015. Collection method: clinical testing. Allele origin: germline.
Comment: Variant summary: DVL1 c.1885G>T (p.Val629Leu) results in a conservative amino acid change in the encoded protein sequence. Algorithms developed to predict the effect of missense changes on protein structure and function all suggest that this variant is likely to be tolerated. The variant was absent in 163614 control chromosomes. The available data on variant occurrences in the general population are insufficient to allow any conclusion about variant significance. To our knowledge, no occurrence of c.1885G>T in individuals affected with DVL1-related conditions and no experimental evidence demonstrating its impact on protein function have been reported. No submitters have cited clinical-significance assessments for this variant to ClinVar. Based on the evidence outlined above, the variant was classified as uncertain significance.

NM_001330311.2(DVL1):c.1960G>T (p.Val654Leu)

Gene: DVL1 (dishevelled segment polarity protein 1; minus strand). Cytogenetic location: 1p36.33.
Variant type: single nucleotide variant.
Coding change: c.1960G>T on transcript NM_001330311.2 (MANE Select); coding-DNA position 1960, G replaced by T.
Protein change: p.Val654Leu; replaces valine 654 with leucine.
Molecular consequence: missense variant.
Genome position (GRCh38, 1-based): chr1:1,336,270, C>A on the plus strand (G>T on the coding strand, the complement: DVL1 is on the minus strand). VCF-style: chr1-1336270-C-A. GRCh37 (hg19) VCF-style: chr1-1271650-C-A.
Other names: c.1885G>T, p.Val629Leu (NM_004421.3); short protein forms V629L, V654L.
Identifiers: ClinVar variation 4847323 (VCV004847323.1).
Genomic context (GRCh38, chr1:1,336,270, plus strand): 5'-TCAATTCCGGGGGGACGGCAGCCAGCTCCCGGACAGGGGGTCCCCCGGGTGGCCCCCCCA[C>A]CACTGTATAGGCCTTGGTCGTGGGGTGGGGCGGGGGGAGCCCCGGGGCGGTAGCCGAGGC-3'
Protein context (NP_001317240.1, residues 644-664): PHPTTKAYTV[Val654Leu]GGPPGGPPVR